The following is an entry in ClinVar:

ClinVar aggregate classification (germline): Uncertain significance (1 of 4 stars; one submission).

Conditions:
Familial adenomatous polyposis 1 (FAP1). Also called: FAMILIAL ADENOMATOUS POLYPOSIS 1, ATTENUATED; POLYPOSIS, ADENOMATOUS INTESTINAL. Identifiers: MedGen C2713442, MONDO:0021056, OMIM 175100. Disease mechanism: loss of function.

Submission:

Labcorp Genetics (formerly Invitae), Labcorp
Classification: Uncertain significance for Familial adenomatous polyposis 1. Last evaluated: 2021-07-14. Review status: criteria provided, single submitter. Criteria: Invitae Variant Classification Sherloc (09022015). Collection method: clinical testing. Allele origin: germline.
Comment: This sequence change creates a premature translational stop signal (p.Lys2815Leufs*2) in the APC gene. While this is not anticipated to result in nonsense mediated decay, it is expected to disrupt the last 29 amino acid(s) of the APC protein. This variant is not present in population databases (ExAC no frequency). This variant has not been reported in the literature in individuals affected with APC-related conditions. Algorithms developed to predict the effect of sequence changes on RNA splicing suggest that this variant may create or strengthen a splice site. In summary, the available evidence is currently insufficient to determine the role of this variant in disease. Therefore, it has been classified as a Variant of Uncertain Significance.

NM_000038.6(APC):c.8442_8443insTTGT (p.Lys2815delinsLeuTer)

Gene: APC (APC regulator of Wnt signaling pathway; plus strand). Cytogenetic location: 5q22.2.
Variant type: Insertion.
Coding change: c.8442_8443insTTGT on transcript NM_000038.6 (MANE Select); coding-DNA positions 8442 to 8443, TTGT inserted.
Protein change: p.Lys2815delinsLeuTer.
Molecular consequence: nonsense.
Genome position: GRCh38 VCF-style: chr5-112844036-G-GTTGT. GRCh37 (hg19) VCF-style: chr5-112179733-G-GTTGT.
Other names: c.8442_8443insTTGT, p.Lys2815delinsLeuTer (NM_001127510.3, NM_001354895.2); c.8388_8389insTTGT, p.Lys2797delinsLeuTer (NM_001127511.3); c.8496_8497insTTGT, p.Lys2833delinsLeuTer (NM_001354896.2); c.8472_8473insTTGT, p.Lys2825delinsLeuTer (NM_001354897.2); c.8367_8368insTTGT, p.Lys2790delinsLeuTer (NM_001354898.2); c.8358_8359insTTGT, p.Lys2787delinsLeuTer (NM_001354899.2); c.8319_8320insTTGT, p.Lys2774delinsLeuTer (NM_001354900.2); c.8265_8266insTTGT, p.Lys2756delinsLeuTer (NM_001354901.2); and 5 more.
Identifiers: ClinVar variation 1439161 (VCV001439161.5), dbSNP rs2150005483, ClinGen allele CA2573138688.
Genomic context (GRCh38, chr5:112,844,036, plus strand): 5'-CGCAGATAGCACTTCAGCTCGGCCATCTCAGATCCCAACTCCAGTGAATAACAACACAAA[G>GTTGT]AAGCGAGATTCCAAAACTGACAGCACAGAATCCAGTGGAACCCAAAGTCCTAAGCGCCAT-3'